The following is an entry in ClinVar:

ClinVar aggregate classification (germline): Uncertain significance. Review status: criteria provided, multiple submitters, no conflicts (2 of 4 stars). 2 submissions from 2 submitters: Uncertain significance (2). Last evaluated 2025-11-26.

Conditions:
Cardiovascular phenotype. Identifiers: MedGen CN230736.
Long QT syndrome (LQTS). Identifiers: MedGen C0023976, MeSH D008133, MONDO:0002442. Disease mechanism: loss of function. Inheritance: Various modes of inheritance.

Submissions (2):

Ambry Genetics
Classification: Uncertain significance for Cardiovascular phenotype. Last evaluated: 2025-11-26. Review status: criteria provided, single submitter. Criteria: Ambry Variant Classification Scheme 2023. Collection method: clinical testing. Allele origin: germline.

Labcorp Genetics (formerly Invitae), Labcorp
Classification: Uncertain significance for Long QT syndrome. Last evaluated: 2018-05-09. Review status: criteria provided, single submitter. Criteria: Invitae Variant Classification Sherloc (09022015). Collection method: clinical testing. Allele origin: germline.
Comment: In summary, the available evidence is currently insufficient to determine the role of this variant in disease. Therefore, it has been classified as a Variant of Uncertain Significance. Algorithms developed to predict the effect of missense changes on protein structure and function output the following: SIFT: "Tolerated"; PolyPhen-2: "Benign"; Align-GVGD: "Class C0". The valine amino acid residue is found in multiple mammalian species, suggesting that this missense change does not adversely affect protein function. These predictions have not been confirmed by published functional studies and their clinical significance is uncertain. This variant has not been reported in the literature in individuals with AKAP9-related disease. This variant is not present in population databases (ExAC no frequency). This sequence change replaces isoleucine with valine at codon 1414 of the AKAP9 protein (p.Ile1414Val). The isoleucine residue is weakly conserved and there is a small physicochemical difference between isoleucine and valine.

NM_005751.5(AKAP9):c.4240A>G (p.Ile1414Val)

Gene: AKAP9 (A-kinase anchoring protein 9; plus strand). Cytogenetic location: 7q21.2.
Variant type: single nucleotide variant.
Coding change: c.4240A>G on transcript NM_005751.5 (MANE Select); coding-DNA position 4240, A replaced by G.
Protein change: p.Ile1414Val; replaces isoleucine 1414 with valine.
Molecular consequence: missense variant.
Genome position (GRCh38, 1-based): chr7:92,029,986, A>G. VCF-style: chr7-92029986-A-G. GRCh37 (hg19) VCF-style: chr7-91659300-A-G.
Other names: c.4240A>G, p.Ile1414Val (NM_147185.3); short protein forms I1414V.
Identifiers: ClinVar variation 577811 (VCV000577811.11), dbSNP rs1006205177, ClinGen allele CA161891290.